The following is an entry in ClinVar:

ClinVar aggregate classification (germline): Conflicting classifications of pathogenicity. Review status: criteria provided, conflicting classifications (1 of 4 stars). 3 submissions from 3 submitters: Likely pathogenic (2); Uncertain significance (1). Last evaluated 2024-06-30.

Conditions:
Joubert syndrome 25 (JBTS25). Identifiers: Orphanet 475, MedGen C4084842, MONDO:0014770, OMIM 616781.
CEP104-related disorders.

Allele frequency attached by ClinVar (database versions not stated): gnomAD 0.00001; ExAC 0.00002; gnomAD exomes 0.00002; TOPMed 0.00002.
gnomAD v4.1: 34 of 1,614,108 alleles (0.0021%); highest among the groups gnomAD compares: African/African-American, 0.004%; no homozygotes.

Submissions (4):

GeneDx
Classification: Likely pathogenic. Last evaluated: 2024-06-30. Review status: criteria provided, single submitter. Criteria: GeneDx Variant Classification Process June 2021. Collection method: clinical testing. Allele origin: germline. Affected: yes.
Comment: Canonical splice site variant predicted to result in a null allele in a gene for which loss of function is a known mechanism of disease; Not observed at significant frequency in large population cohorts (gnomAD); Has not been previously published as pathogenic or benign in association with a CEP104-related disorder to our knowledge; This variant is associated with the following publications: (PMID: 31980526)

Blueprint Genetics
Classification: Likely pathogenic for CEP104-related disorders. Last evaluated: 2023-11-27. Review status: criteria provided, single submitter. Criteria: ACMG Guidelines, 2015. Collection method: clinical testing. Allele origin: germline. Affected: yes. Observed: 5 variant alleles.

Victorian Clinical Genetics Services, Murdoch Childrens Research Institute
Classification: Uncertain significance for Joubert syndrome 25. Last evaluated: 2019-08-28. Review status: criteria provided, single submitter. Criteria: ACMG Guidelines, 2015. Collection method: clinical testing. Allele origin: germline. Inheritance: Autosomal recessive inheritance. Affected: yes.
Comment: A heterozygous canonical splice site variant was identified, NM_014704.3(CEP104):c.2503+1G>A in intron 19 of the CEP104 gene. This substitution may cause aberrant splicing in the CEP104 gene, and affect protein function; further testing via RNA studies are required to confirm if splicing is altered. The nucleotide at this position has high conservation (Phylop UCSC). In silico software predicts the splice site variant to cause aberrant splicing (NetGene2, Fruit fly, Human Splicing Finder). The variant is present in the gnomAD population database at a frequency of 0.0048% (12 heterozygotes, 0 homozygotes). It has not been previously observed in clinical cases. Based on information available at the time of curation, this variant has been classified as a VARIANT of UNCERTAIN SIGNIFICANCE (VUS) with POTENTIAL CLINICAL RELEVANCE.

Dr. Peter K. Rogan Lab, Western University
No classification provided (evidence only). Condition: Melanoma. Review status: no classification provided. Collection method: in vitro. Allele origin: not applicable. Functional consequence: retained intron. Not counted in ClinVar's aggregate classification.

NM_014704.4(CEP104):c.2503+1G>A

Gene: CEP104 (centrosomal protein 104; minus strand). Cytogenetic location: 1p36.32.
Variant type: single nucleotide variant.
Coding change: c.2503+1G>A on transcript NM_014704.4 (MANE Select); the canonical splice donor site of the intron after coding-DNA position 2503, G replaced by A.
Molecular consequence: splice donor variant.
Genome position (GRCh38, 1-based): chr1:3,823,423, C>T on the plus strand (G>A on the coding strand, the complement: CEP104 is on the minus strand). VCF-style: chr1-3823423-C-T. GRCh37 (hg19) VCF-style: chr1-3739987-C-T.
Other names: NC_000001.10:g.3739987C>T.
Identifiers: ClinVar variation 1805018 (VCV001805018.4), dbSNP rs756171105, ClinGen allele CA551280.
Genomic context (GRCh38, chr1:3,823,423, plus strand): 5'-ACTTCCTCCAAGAGGACCCCTGGTGACCCGAGGGCACGGGAGCCTGGGAAGGGGCACTCA[C>T]GGTTGCAATCCTTGTGTTTTATGTGTCTGGGCAGCTCTTCCTTGAAAACAGCCTCACTGC-3'